The following is an entry in ClinVar:

ClinVar aggregate classification (germline): Pathogenic/Likely pathogenic. Review status: criteria provided, multiple submitters, no conflicts (2 of 4 stars). 9 submissions from 8 submitters: Pathogenic (2); Likely pathogenic (1). 6 of the submissions do not count toward it. Last evaluated 2025-10-01.

Conditions:
Charcot-Marie-Tooth disease, type I (CMT1). Also called: Charcot-Marie-Tooth, Type 1; Charcot-Marie-Tooth disease type 1. Identifiers: Orphanet 65753, MedGen C0751036, MONDO:0019011.
Charcot-Marie-Tooth disease. Also called: Charcot-Marie-Tooth Neuropathy; Charcot-Marie-Tooth Hereditary Neuropathy. Identifiers: Orphanet 166, MedGen C0007959, MONDO:0015626.
Charcot-Marie-Tooth disease type 2E (CMT2E). Also called: CHARCOT-MARIE-TOOTH DISEASE, AXONAL, TYPE 2E; CHARCOT-MARIE-TOOTH NEUROPATHY, TYPE 2E. Identifiers: Orphanet 99939, MedGen C1843225, MONDO:0011894, OMIM 607684.
Hereditary liability to pressure palsies (HNPP). Also called: POLYNEUROPATHY, FAMILIAL RECURRENT; TOMACULOUS NEUROPATHY; Hereditary Neuropathy with Liability to Pressure Palsies. Identifiers: Orphanet 640, MedGen C0393814, MONDO:0008087, OMIM 162500.
Charcot-Marie-Tooth disease, type IA (CMT1A). Also called: CHARCOT-MARIE-TOOTH DISEASE, DEMYELINATING, TYPE 1A; CHARCOT-MARIE-TOOTH DISEASE, AUTOSOMAL DOMINANT, WITH FOCALLY FOLDED MYELIN SHEATHS, TYPE 1A; CHARCOT-MARIE-TOOTH NEUROPATHY, TYPE 1A; HEREDITARY MOTOR AND SENSORY NEUROPATHY IA; Charcot-Marie-Tooth disease type 1A; CMT 1A. Identifiers: Orphanet 101081, MedGen C0270911, MONDO:0007309, OMIM 118220.

Submissions (9):

Labcorp Genetics (formerly Invitae), Labcorp
Classification: Pathogenic for Charcot-Marie-Tooth disease, type I. Last evaluated: 2025-10-01. Review status: criteria provided, single submitter. Criteria: Invitae Variant Classification Sherloc (09022015). Collection method: clinical testing. Allele origin: germline.
Comment: This sequence change is expected to alter the c-terminus of the PMP22 protein (p.Arg95Glnfs*128). While this is not anticipated to result in nonsense mediated decay, it is expected to disrupt the last 66 amino acid(s) of the PMP22 protein and extend the protein by 61 additional amino acid residues. This variant is not present in population databases (gnomAD no frequency). This frameshift has been observed in individual(s) with hereditary neuropathy with liability to pressure palsies or demyelinating polyneuropathy (PMID: 9040737, 21252112, 21692910, 28333917). In at least one individual the variant was observed to be de novo. It has also been observed to segregate with disease in related individuals. This variant is also known as c.281_282insG. ClinVar contains an entry for this variant (Variation ID: 8437). For these reasons, this variant has been classified as Pathogenic.

Athena Diagnostics
Classification: Pathogenic for Charcot-Marie-Tooth disease, type IA. Last evaluated: 2015-08-12. Review status: criteria provided, single submitter. Criteria: Athena Diagnostics Criteria. Collection method: clinical testing. Allele origin: germline. Inheritance: Autosomal dominant inheritance.

Molecular Genetics Laboratory, London Health Sciences Centre
Classification: Likely pathogenic for Charcot-Marie-Tooth disease. Review status: criteria provided, single submitter. Criteria: ACMG Guidelines, 2015. Collection method: clinical testing. Allele origin: germline. Affected: yes.

OMIM
Classification: Pathogenic for NEUROPATHY, HEREDITARY, WITH LIABILITY TO PRESSURE PALSIES. Last evaluated: 1997-02-01. Review status: no assertion criteria provided. Collection method: literature only. Allele origin: germline. Not counted in ClinVar's aggregate classification.

Clinical Genetics, Academic Medical Center
Classification: Pathogenic. Review status: no assertion criteria provided. Collection method: clinical testing. Allele origin: germline. Affected: yes. Study: VKGL Data-share Consensus. Not counted in ClinVar's aggregate classification.

GeneReviews
No classification provided. Condition: Hereditary liability to pressure palsies. Review status: no classification provided. Collection method: literature only. Allele origin: germline. Not counted in ClinVar's aggregate classification.

GeneReviews
No classification provided. Condition: Charcot-Marie-Tooth disease type 2E. Review status: no classification provided. Collection method: literature only. Allele origin: unknown. Not counted in ClinVar's aggregate classification.

Inherited Neuropathy Consortium
Classification: Uncertain significance for Hereditary liability to pressure palsies. Review status: no assertion criteria provided. Collection method: literature only. Allele origin: germline. Affected: yes. Not counted in ClinVar's aggregate classification.

Joint Genome Diagnostic Labs from Nijmegen and Maastricht, Radboudumc and MUMC+
Classification: Pathogenic. Review status: no assertion criteria provided. Collection method: clinical testing. Allele origin: germline. Affected: yes. Study: VKGL Data-share Consensus. Not counted in ClinVar's aggregate classification.

Literature cited by the submitters: PubMed 9040737 (cited by 3 submitters); PubMed 21252112 (cited by Labcorp Genetics (formerly Invitae), Labcorp); PubMed 21692910 (cited by Labcorp Genetics (formerly Invitae), Labcorp); PubMed 28333917 (cited by Labcorp Genetics (formerly Invitae), Labcorp); PubMed 9371959 (cited by Athena Diagnostics); PubMed 9712007 (cited by GeneReviews and Inherited Neuropathy Consortium); NCBI Bookshelf NBK1392 (cited by GeneReviews); PubMed 20301384 (cited by GeneReviews); NCBI Bookshelf NBK1205 (cited by GeneReviews).

NM_000304.4(PMP22):c.281dup (p.Arg95fs)

Gene: PMP22 (peripheral myelin protein 22; minus strand). Cytogenetic location: 17p12.
Variant type: Duplication.
Coding change: c.281dup on transcript NM_000304.4 (MANE Select); coding-DNA position 281, one base duplicated (G; older notation c.281dupG).
Protein change: p.Arg95fs; shifts the reading frame from arginine 95.
Molecular consequence: frameshift variant. On other transcripts: non-coding transcript variant (2).
Genome position (GRCh38, 1-based): chr17:15,239,509, C duplicated on the plus strand (G on the coding strand, the reverse complement: PMP22 is on the minus strand); the first of 6 consecutive C bases (chr17:15,239,509-15,239,514); duplicating any one gives the same sequence. VCF-style (leftmost placement, unchanged base first): chr17-15239508-G-GC. GRCh37 (hg19) VCF-style: chr17-15142825-G-GC.
Other names: c.281dup, p.Arg95fs (NM_001281455.2, NM_001281456.2, NM_001330143.2 and 2 more transcripts); short protein forms R95fs.
Identifiers: ClinVar variation 8437 (VCV000008437.18), dbSNP rs80338763, ClinGen allele CA277605.